The following is an entry in ClinVar:

ClinVar aggregate classification (germline): Uncertain significance (1 of 4 stars; one submission).

Conditions:
Familial adenomatous polyposis 1 (FAP1). Also called: POLYPOSIS, ADENOMATOUS INTESTINAL; FAMILIAL ADENOMATOUS POLYPOSIS 1, ATTENUATED. Identifiers: MedGen C2713442, MONDO:0021056, OMIM 175100. Disease mechanism: loss of function.

Submission:

Labcorp Genetics (formerly Invitae), Labcorp
Classification: Uncertain significance for Familial adenomatous polyposis 1. Last evaluated: 2020-10-01. Review status: criteria provided, single submitter. Criteria: Invitae Variant Classification Sherloc (09022015). Collection method: clinical testing. Allele origin: germline.
Comment: This variant is not present in population databases (ExAC no frequency). This sequence change replaces serine with cysteine at codon 926 of the APC protein (p.Ser926Cys). The serine residue is moderately conserved and there is a moderate physicochemical difference between serine and cysteine. This variant has not been reported in the literature in individuals with APC-related conditions. In summary, the available evidence is currently insufficient to determine the role of this variant in disease. Therefore, it has been classified as a Variant of Uncertain Significance. Algorithms developed to predict the effect of missense changes on protein structure and function are either unavailable or do not agree on the potential impact of this missense change (SIFT: "Deleterious"; PolyPhen-2: "Possibly Damaging"; Align-GVGD: "Class C0").

NM_000038.6(APC):c.2777C>G (p.Ser926Cys)

Gene: APC (APC regulator of Wnt signaling pathway; plus strand). Cytogenetic location: 5q22.2.
Variant type: single nucleotide variant.
Coding change: c.2777C>G on transcript NM_000038.6 (MANE Select); coding-DNA position 2777, C replaced by G.
Protein change: p.Ser926Cys; replaces serine 926 with cysteine.
Molecular consequence: missense variant.
Genome position (GRCh38, 1-based): chr5:112,838,371, C>G. VCF-style: chr5-112838371-C-G. GRCh37 (hg19) VCF-style: chr5-112174068-C-G.
Other names: c.2777C>G, p.Ser926Cys (NM_001127510.3, NM_001354895.2); c.2723C>G, p.Ser908Cys (NM_001127511.3); c.2831C>G, p.Ser944Cys (NM_001354896.2); c.2807C>G, p.Ser936Cys (NM_001354897.2); c.2702C>G, p.Ser901Cys (NM_001354898.2); c.2693C>G, p.Ser898Cys (NM_001354899.2); c.2654C>G, p.Ser885Cys (NM_001354900.2); c.2600C>G, p.Ser867Cys (NM_001354901.2); and 5 more; short protein forms S643C, S835C, S885C, S936C, S944C, S800C, S825C, S867C.
Identifiers: ClinVar variation 860372 (VCV000860372.11), dbSNP rs1765261955, ClinGen allele CA16027391.